The following is an entry in ClinVar:

ClinVar aggregate classification (germline): Uncertain significance. Review status: criteria provided, multiple submitters, no conflicts (2 of 4 stars). 4 submissions from 4 submitters: Uncertain significance (3). 1 of the submissions does not count toward it. Last evaluated 2026-07-13.

Conditions:
Inborn genetic diseases. Identifiers: MedGen C0950123, MeSH D030342.
Autosomal recessive limb-girdle muscular dystrophy type 2A (LGMDR1). Also called: LEYDEN-MOEBIUS MUSCULAR DYSTROPHY; MUSCULAR DYSTROPHY, PELVOFEMORAL; Limb-girdle muscular dystrophy, type 2A; Calpainopathy; Muscular dystrophy, limb-girdle, type 2A, Amish. Identifiers: Orphanet 267, MedGen C1869123, MONDO:0009675, OMIM 253600. Disease mechanism: loss of function.

Allele frequency attached by ClinVar (database versions not stated): gnomAD 0.00001 and 0.00004; gnomAD exomes 0.00002 and 0.00006; ExAC 0.00004; TOPMed 0.00006; ESP Exome Variant Server 0.00015.
gnomAD v4.1: 45 of 1,613,346 alleles (0.0028%); highest among the groups gnomAD compares: Non-Finnish European, 0.0036%; no homozygotes.

Submissions (4):

Ambry Genetics
Classification: Uncertain significance for Inborn genetic diseases. Last evaluated: 2026-07-13. Review status: criteria provided, single submitter. Criteria: Ambry Variant Classification Scheme 2023. Collection method: clinical testing. Allele origin: germline.

Labcorp Genetics (formerly Invitae), Labcorp
Classification: Uncertain significance for Autosomal recessive limb-girdle muscular dystrophy type 2A. Last evaluated: 2025-06-04. Review status: criteria provided, single submitter. Criteria: Invitae Variant Classification Sherloc (09022015). Collection method: clinical testing. Allele origin: germline.
Comment: This sequence change replaces serine, which is neutral and polar, with threonine, which is neutral and polar, at codon 400 of the CAPN3 protein (p.Ser400Thr). This variant is present in population databases (rs367863862, gnomAD 0.004%). This variant has not been reported in the literature in individuals affected with CAPN3-related conditions. ClinVar contains an entry for this variant (Variation ID: 646764). Invitae Evidence Modeling of protein sequence and biophysical properties (such as structural, functional, and spatial information, amino acid conservation, physicochemical variation, residue mobility, and thermodynamic stability) indicates that this missense variant is not expected to disrupt CAPN3 protein function with a negative predictive value of 80%. In summary, the available evidence is currently insufficient to determine the role of this variant in disease. Therefore, it has been classified as a Variant of Uncertain Significance.

Revvity Omics, Revvity
Classification: Uncertain significance. Last evaluated: 2024-09-23. Review status: criteria provided, single submitter. Criteria: ACMG Guidelines, 2015. Collection method: clinical testing. Allele origin: germline.

Natera, Inc.
Classification: Uncertain significance for Limb-girdle muscular dystrophy type 2A. Last evaluated: 2020-09-16. Review status: no assertion criteria provided. Collection method: clinical testing. Allele origin: germline. Not counted in ClinVar's aggregate classification.

NM_000070.3(CAPN3):c.1198T>A (p.Ser400Thr)

Gene: CAPN3 (calpain 3; plus strand). Cytogenetic location: 15q15.1.
Variant type: single nucleotide variant.
Coding change: c.1198T>A on transcript NM_000070.3 (MANE Select); coding-DNA position 1198, T replaced by A.
Protein change: p.Ser400Thr; replaces serine 400 with threonine.
Molecular consequence: missense variant.
Genome position (GRCh38, 1-based): chr15:42,399,496, T>A. VCF-style: chr15-42399496-T-A. GRCh37 (hg19) VCF-style: chr15-42691694-T-A.
Other names: c.1198T>A, p.Ser400Thr (NM_024344.2); c.1054T>A, p.Ser352Thr (NM_173087.2); short protein forms S400T, S352T.
Identifiers: ClinVar variation 646764 (VCV000646764.13), dbSNP rs367863862, ClinGen allele CA7511291.
Genomic context (GRCh38, chr15:42,399,496, plus strand): 5'-TCCCAGCCCTCCTCACCTGCTCCCATATGGCTCTCTCTCTTCTTCCAACCTCTCAGGATG[T>A]CCTATGAGGATTTCATCTACCATTTCACAAAGTTGGAGATCTGCAACCTCACGGCCGATG-3'
Protein context (NP_000061.1, residues 390-410): QVTEDGEFWM[Ser400Thr]YEDFIYHFTK